The following is an entry in ClinVar:

ClinVar aggregate classification (germline): Likely benign. Review status: criteria provided, multiple submitters, no conflicts (2 of 4 stars). 2 submissions from 2 submitters: Likely benign (2). Last evaluated 2025-08-03.

Conditions:
Multiple endocrine neoplasia, type 1 (MEN1). Also called: MEN I; WERMER SYNDROME; Endocrine adenomatosis multiple; MEN 1; MEA I. Identifiers: Orphanet 652, MedGen C0025267, MeSH D018761, MONDO:0007540, OMIM 131100.

Allele frequency attached by ClinVar (database versions not stated): gnomAD exomes 0.00001; TOPMed 0.00001.
gnomAD v4.1: 13 of 1,614,010 alleles (0.00081%); highest among the groups gnomAD compares: African/African-American, 0.0013%; no homozygotes.

Submissions (2):

Labcorp Genetics (formerly Invitae), Labcorp
Classification: Likely benign for Multiple endocrine neoplasia, type 1. Last evaluated: 2025-08-03. Review status: criteria provided, single submitter. Criteria: Invitae Variant Classification Sherloc (09022015). Collection method: clinical testing. Allele origin: germline.

Myriad Genetics, Inc.
Classification: Likely benign for Multiple endocrine neoplasia, type 1. Last evaluated: 2024-11-01. Review status: criteria provided, single submitter. Criteria: Myriad Autosomal Dominant, Autosomal Recessive and X-Linked Classification Criteria (2023). Collection method: clinical testing. Allele origin: unknown.
Comment: This variant is considered likely benign. This variant is intronic and is not expected to impact mRNA splicing.

NM_001370259.2(MEN1):c.655-19G>A

Gene: MEN1 (menin 1; minus strand). Cytogenetic location: 11q13.1.
Variant type: single nucleotide variant.
Coding change: c.655-19G>A on transcript NM_001370259.2 (MANE Select); 19 bases into the intron before coding-DNA position 655, G replaced by A.
Molecular consequence: intron variant.
Genome position (GRCh38, 1-based): chr11:64,807,699, C>T on the plus strand (G>A on the coding strand, the complement: MEN1 is on the minus strand). VCF-style: chr11-64807699-C-T. GRCh37 (hg19) VCF-style: chr11-64575171-C-T.
Other names: c.670-19G>A (NM_000244.4, NM_130801.3, NM_130800.3 and 3 more transcripts); c.655-19G>A (NM_001370260.2, NM_001370251.2, NM_001370261.2 and 1 more transcripts); c.550-19G>A (NM_001370263.2, NM_001370262.2).
Identifiers: ClinVar variation 1903641 (VCV001903641.6), dbSNP rs896141668, ClinGen allele CA223915474.